The following is an entry in ClinVar:

ClinVar aggregate classification (germline): Uncertain significance. Review status: criteria provided, multiple submitters, no conflicts (2 of 4 stars). 2 submissions from 2 submitters: Uncertain significance (2). Last evaluated 2025-08-09.

Allele frequency attached by ClinVar (database versions not stated): gnomAD 0.00002 and 0.00003; gnomAD exomes 0.00004; TOPMed 0.00004; ExAC 0.00006.
gnomAD v4.1: 94 of 1,545,072 alleles (0.0061%); highest among the groups gnomAD compares: South Asian, 0.011%; no homozygotes.

Submissions (2):

Ambry Genetics
Classification: Uncertain significance. Last evaluated: 2025-08-09. Review status: criteria provided, single submitter. Criteria: Ambry Variant Classification Scheme 2023. Collection method: clinical testing. Allele origin: germline.

GeneDx
Classification: Uncertain significance. Last evaluated: 2020-06-24. Review status: criteria provided, single submitter. Criteria: GeneDx Variant Classification Process June 2021. Collection method: clinical testing. Allele origin: germline. Affected: yes.
Comment: In silico analysis supports that this missense variant has a deleterious effect on protein structure/function; Has not been previously published as pathogenic or benign to our knowledge

NM_001378328.1(CELSR1):c.4136G>A (p.Arg1379His)

Genes: CELSR1 (cadherin EGF LAG seven-pass G-type receptor 1; minus strand), LOC126863170 (CDK7 strongly-dependent group 2 enhancer GRCh37_chr22:46858535-46859734; plus strand). Cytogenetic location: 22q13.31.
Variant type: single nucleotide variant.
Coding change: c.4136G>A on transcript NM_001378328.1 (MANE Select); coding-DNA position 4136, G replaced by A.
Protein change: p.Arg1379His; replaces arginine 1379 with histidine.
Molecular consequence: missense variant.
Genome position (GRCh38, 1-based): chr22:46,463,754, C>T on the plus strand (G>A on the coding strand, the complement: CELSR1 is on the minus strand). VCF-style: chr22-46463754-C-T. GRCh37 (hg19) VCF-style: chr22-46859651-C-T.
Other names: c.4136G>A, p.Arg1379His (NM_014246.4); short protein forms R1379H.
Identifiers: ClinVar variation 1321142 (VCV001321142.3), dbSNP rs757658319, ClinGen allele CA10294807.